The following is an entry in ClinVar:

ClinVar aggregate classification (germline): Conflicting classifications of pathogenicity. Review status: criteria provided, conflicting classifications (1 of 4 stars). 5 submissions from 5 submitters: Uncertain significance (3); Benign (1); Likely benign (1). Last evaluated 2026-01-12.

Conditions:
Cardiovascular phenotype. Identifiers: MedGen CN230736.
Hereditary cancer-predisposing syndrome. Also called: Neoplastic Syndromes, Hereditary; Tumor predisposition; Hereditary neoplastic syndrome; Hereditary Cancer Syndrome. Identifiers: Orphanet 140162, MedGen C0027672, MeSH D009386, MONDO:0015356.
Neurofibromatosis, type 1 (NF1). Also called: VON RECKLINGHAUSEN DISEASE; NEUROFIBROMATOSIS, TYPE I, SOMATIC; Peripheral type neurofibromatosis; Neurofibromatosis, type I. Identifiers: Orphanet 636, MedGen C0027831, MONDO:0018975, OMIM 162200. Disease mechanism: loss of function.

Allele frequency attached by ClinVar (database versions not stated): TOPMed 0.00002; ExAC 0.00003.
gnomAD v4.1: 14 of 1,613,942 alleles (0.00087%); highest among the groups gnomAD compares: Admixed American, 0.022%; no homozygotes.

Submissions (5):

Labcorp Genetics (formerly Invitae), Labcorp
Classification: Likely benign for Neurofibromatosis, type 1. Last evaluated: 2026-01-12. Review status: criteria provided, single submitter. Criteria: Invitae Variant Classification Sherloc (09022015). Collection method: clinical testing. Allele origin: germline.

Ambry Genetics
Classification: Benign for Cardiovascular phenotype; Hereditary cancer-predisposing syndrome. Last evaluated: 2023-01-10. Review status: criteria provided, single submitter. Criteria: Ambry Variant Classification Scheme 2023. Collection method: clinical testing. Allele origin: germline.

Genome-Nilou Lab
Classification: Uncertain significance for Neurofibromatosis, type 1. Last evaluated: 2022-03-15. Review status: criteria provided, single submitter. Criteria: ACMG Guidelines, 2015. Collection method: clinical testing. Allele origin: germline. Affected: no.

Sema4
Classification: Uncertain significance for Hereditary cancer-predisposing syndrome. Last evaluated: 2022-02-13. Review status: criteria provided, single submitter. Criteria: Sema4 Curation Guidelines. Collection method: curation. Allele origin: germline.
Comment: The NF1 c.7744G>C (p.V2582L) variant has not been reported in the literature to our knowledge. It was observed in 10/34586 chromosomes of the Latino/Admixed American subpopulation, with no homozygotes, in the large and broad cohorts of the Genome Aggregation Database (PMID: 32461654). This variant has been reported in ClinVar (Variation ID 527482). Functional studies have not been performed, and in silico predictions of the variant's effect on protein function are inconclusive. The evidence is insufficient to meet ACMG/AMP criteria for classifying the variant as benign or pathogenic. Thus, the clinical significance of this variant is currently uncertain.

Revvity Omics, Revvity
Classification: Uncertain significance. Last evaluated: 2021-08-02. Review status: criteria provided, single submitter. Criteria: ACMG Guidelines, 2015. Collection method: clinical testing. Allele origin: germline.

NM_001042492.3(NF1):c.7807G>C (p.Val2603Leu)

Gene: NF1 (neurofibromin 1; plus strand). Cytogenetic location: 17q11.2.
Variant type: single nucleotide variant.
Coding change: c.7807G>C on transcript NM_001042492.3 (MANE Select); coding-DNA position 7807, G replaced by C.
Protein change: p.Val2603Leu; replaces valine 2603 with leucine.
Molecular consequence: missense variant.
Genome position (GRCh38, 1-based): chr17:31,357,028, G>C. VCF-style: chr17-31357028-G-C. GRCh37 (hg19) VCF-style: chr17-29684046-G-C.
Other names: c.7744G>C, p.Val2582Leu (NM_000267.4); short protein forms V2603L, V2582L.
Identifiers: ClinVar variation 527482 (VCV000527482.21), dbSNP rs766135206, ClinGen allele CA8487666.